The following is an entry in ClinVar:

NM_000051.4(ATM):c.8671+9T>G

Genes: ATM (ATM serine/threonine kinase; plus strand), C11orf65 (chromosome 11 open reading frame 65; minus strand). Cytogenetic location: 11q22.3.
Variant type: single nucleotide variant.
Coding change: c.8671+9T>G on transcript NM_000051.4 (MANE Select); 9 bases into the intron after coding-DNA position 8671, T replaced by G.
Molecular consequence: intron variant.
Genome position (GRCh38, 1-based): chr11:108,347,374, T>G. VCF-style: chr11-108347374-T-G. GRCh37 (hg19) VCF-style: chr11-108218101-T-G.
Other names: c.8671+9T>G (NM_001351834.2); c.641-38303A>C (NM_001330368.2); c.695-12082A>C (NM_001351110.2).
Identifiers: ClinVar variation 136433 (VCV000136433.48), dbSNP rs200190537, ClinGen allele CA289528.
Genomic context (GRCh38, chr11:108,347,374, plus strand): 5'-CAGAATATCTTGATAAATGAGCAGTCAGCAGAACTTGTACATATAGATCTAGGTAAGTAA[T>G]AAAATCTATGTATCTATTCTTTTTAGTAAATATTTGGTCATCATGGAATGTTGTTTGCCT-3'

ClinVar aggregate classification (germline): Conflicting classifications of pathogenicity. Review status: criteria provided, conflicting classifications (1 of 4 stars). 18 submissions from 18 submitters: Uncertain significance (4); Benign (3); Likely benign (9). 2 of the submissions do not count toward it. Last evaluated 2026-02-03.

Conditions:
ATM-related cancer predisposition. Also called: ATM-related cancer susceptibility. Identifiers: MedGen CN377759, MONDO:0700270.
Familial colorectal cancer type X. Identifiers: Orphanet 440437, MedGen C3896578, MONDO:0018604.
Hereditary cancer-predisposing syndrome. Also called: Neoplastic Syndromes, Hereditary; Hereditary Cancer Syndrome; Tumor predisposition; Hereditary neoplastic syndrome. Identifiers: Orphanet 140162, MedGen C0027672, MeSH D009386, MONDO:0015356.
Familial cancer of breast. Also called: BREAST CANCER, FAMILIAL; hereditary breast carcinoma; Hereditary breast cancer. Identifiers: Orphanet 227535, MedGen C0346153, MONDO:0016419, OMIM 114480. Disease mechanism: loss of function.
Ataxia-telangiectasia syndrome (AT). Also called: Ataxia-telangiectasia, complementation group D; AT, COMPLEMENTATION GROUP C; Ataxia-telangiectasia; ATAXIA-TELANGIECTASIA, COMPLEMENTATION GROUP A; ATAXIA-TELANGIECTASIA, FRESNO VARIANT; Ataxia-telangiectasia, complementation group E. Identifiers: Orphanet 100, MedGen C0004135, MONDO:0008840, OMIM 208900.

Allele frequency attached by ClinVar (database versions not stated): TOPMed 0.00011; ExAC 0.00012; gnomAD 0.00013; ESP Exome Variant Server 0.00008; gnomAD exomes 0.00012 and 0.00020.
gnomAD v4.1: 300 of 1,561,712 alleles (0.019%); highest among the groups gnomAD compares: Non-Finnish European, 0.024%; no homozygotes.

Submissions (18):

Labcorp Genetics (formerly Invitae), Labcorp
Classification: Likely benign for Ataxia-telangiectasia syndrome. Last evaluated: 2026-02-03. Review status: criteria provided, single submitter. Criteria: Invitae Variant Classification Sherloc (09022015). Collection method: clinical testing. Allele origin: germline.

Women's Health and Genetics/Laboratory Corporation of America, LabCorp
Classification: Likely benign. Last evaluated: 2026-01-23. Review status: criteria provided, single submitter. Criteria: LabCorp Variant Classification Summary - May 2015. Collection method: clinical testing. Allele origin: germline.
Comment: Variant summary: ATM c.8671+9T>G alters a nucleotide located at a position not widely known to affect splicing. Consensus agreement among computation tools predict no significant impact on normal splicing. However, these predictions have yet to be confirmed by functional studies. The variant allele was found at a frequency of 0.00012 in 249426 control chromosomes. This frequency is not significantly higher than estimated for disease-causing variants in ATM, allowing no conclusion about variant significance. c.8671+9T>G has been observed in at-least one individual with 11q chronic lymphocytic leukemia (CLL) (Skowronska_2012). These report(s) do not provide unequivocal conclusions about association of the variant with Ataxia-Telangiectasia. To our knowledge, no experimental evidence demonstrating an impact on protein function has been reported. The following publication have been ascertained in the context of this evaluation (PMID: 21933854). ClinVar contains an entry for this variant (Variation ID: 136433). Based on the evidence outlined above, the variant was classified as likely benign.

Center for Genomic Medicine, Rigshospitalet, Copenhagen University Hospital
Classification: Likely benign. Last evaluated: 2025-12-29. Review status: criteria provided, single submitter. Criteria: ACMG Guidelines, 2015. Collection method: clinical testing. Allele origin: germline.
Comment: Classification criteria: BP4, BP7

Dasa
Classification: Uncertain significance for ATM-related cancer predisposition. Last evaluated: 2025-12-26. Review status: criteria provided, single submitter. Criteria: DASA Assertion Criteria. Collection method: clinical testing. Allele origin: germline.
Comment: NM_000051.4(ATM):c.8671+9T>G is a splice-region variant. This variant is rare in population databases. Computational prediction algorithms are consistent with a benign effect. The currently available literature and clinical evidence are not sufficient to establish a definitive association between this variant and the reported condition. Therefore, this variant is classified as a variant of uncertain significance.

Institute for Biomarker Research, Medical Diagnostic Laboratories, L.L.C.
Classification: Likely benign for Hereditary cancer-predisposing syndrome. Last evaluated: 2025-02-25. Review status: criteria provided, single submitter. Criteria: ACMG Guidelines, 2015. Collection method: clinical testing. Allele origin: germline.
Comment: The intron variant NM_000051.4(ATM):c.8671+9T>G has not been reported previously as a pathogenic variant nor as a benign variant, to our knowledge. The c.8671+9T>G variant is not predicted to disrupt the existing donor splice site 7bp upstream by any splice site algorithm. The c.8671+9T>G variant results in a substitution of a base that is not predicted conserved by GERP++ and PhyloP. For these reasons, this variant has been classified as Likely Benign.

Quest Diagnostics Nichols Institute San Juan Capistrano
Classification: Likely benign. Last evaluated: 2025-02-06. Review status: criteria provided, single submitter. Criteria: Quest Diagnostics criteria. Collection method: clinical testing. Allele origin: unknown.

KCCC/NGS Laboratory, Kuwait Cancer Control Center
Classification: Benign for Familial cancer of breast. Last evaluated: 2025-02-01. Review status: criteria provided, single submitter. Criteria: ACMG Guidelines, 2015. Collection method: clinical testing. Allele origin: germline. Affected: no.

Department of Pathology and Laboratory Medicine, Sinai Health System
Classification: Uncertain significance for Familial colorectal cancer type X. Last evaluated: 2025-01-31. Review status: criteria provided, single submitter. Criteria: ACMG Guidelines, 2015. Collection method: clinical testing. Allele origin: germline. Affected: yes.

Blueprint Genetics
Classification: Likely benign. Last evaluated: 2024-11-11. Review status: criteria provided, single submitter. Criteria: ACMG Guidelines, 2015. Collection method: clinical testing. Allele origin: germline.

Myriad Genetics, Inc.
Classification: Benign for Familial cancer of breast. Last evaluated: 2024-06-20. Review status: criteria provided, single submitter. Criteria: Myriad Autosomal Dominant, Autosomal Recessive and X-Linked Classification Criteria (2023). Collection method: clinical testing. Allele origin: unknown.
Comment: This variant is considered benign. This variant is intronic and is not expected to impact mRNA splicing. This variant is strongly associated with less severe personal and family histories of cancer, typical for individuals without pathogenic variants in this gene [PMID: 25085752].

MGZ Medical Genetics Center
Classification: Uncertain significance for Familial cancer of breast. Last evaluated: 2022-07-19. Review status: criteria provided, single submitter. Criteria: ACMG Guidelines, 2015. Collection method: clinical testing. Allele origin: germline. Affected: yes. Observed: 1 variant allele.
Comment: ACMG criteria applied: PP3

Mendelics
Classification: Likely benign for Ataxia-telangiectasia syndrome. Last evaluated: 2019-05-28. Review status: criteria provided, single submitter. Criteria: Mendelics Assertion Criteria 2017. Collection method: clinical testing. Allele origin: unknown.

Illumina Laboratory Services, Illumina
Classification: Uncertain significance for Ataxia-telangiectasia syndrome. Last evaluated: 2018-03-30. Review status: criteria provided, single submitter. Criteria: ICSL Variant Classification Criteria 13 December 2019. Collection method: clinical testing. Allele origin: germline.

PreventionGenetics, part of Exact Sciences
Classification: Likely benign. Last evaluated: 2017-07-31. Review status: criteria provided, single submitter. Criteria: ACMG Guidelines, 2015. Collection method: clinical testing. Allele origin: germline.

Color Diagnostics, LLC DBA Color Health
Classification: Likely benign for Hereditary cancer-predisposing syndrome. Last evaluated: 2015-05-18. Review status: criteria provided, single submitter. Criteria: ACMG Guidelines, 2015. Collection method: clinical testing. Allele origin: germline.

GeneDx
Classification: Benign. Last evaluated: 2014-02-10. Review status: criteria provided, single submitter. Criteria: GeneDx Variant Classification (06012015). Collection method: clinical testing. Allele origin: germline. Affected: yes.
Comment: This variant is considered likely benign or benign based on one or more of the following criteria: it is a conservative change, it occurs at a poorly conserved position in the protein, it is predicted to be benign by multiple in silico algorithms, and/or has population frequency not consistent with disease.

Genetic Services Laboratory, University of Chicago
Classification: Likely benign. Last evaluated: 2022-04-13. Review status: no assertion criteria provided. Collection method: clinical testing. Allele origin: germline. Affected: no. Not counted in ClinVar's aggregate classification.

Natera, Inc.
Classification: Likely benign for Ataxia-telangiectasia. Last evaluated: 2020-01-30. Review status: no assertion criteria provided. Collection method: clinical testing. Allele origin: germline. Not counted in ClinVar's aggregate classification.

Literature cited by the submitters: PubMed 21933854 (cited by Women's Health and Genetics/Laboratory Corporation of America, LabCorp and Department of Pathology and Laboratory Medicine, Sinai Health System); PubMed 25085752 (cited by Myriad Genetics, Inc.).